The following is an entry in ClinVar:

ClinVar aggregate classification (germline): Uncertain significance (1 of 4 stars; one submission).

Allele frequency attached by ClinVar (database versions not stated): gnomAD exomes below 0.00001; TOPMed below 0.00001.

Submission:

Labcorp Genetics (formerly Invitae), Labcorp
Classification: Uncertain significance. Last evaluated: 2024-03-04. Review status: criteria provided, single submitter. Criteria: Invitae Variant Classification Sherloc (09022015). Collection method: clinical testing. Allele origin: germline.
Comment: This sequence change replaces aspartic acid, which is acidic and polar, with tyrosine, which is neutral and polar, at codon 186 of the ZNF408 protein (p.Asp186Tyr). This variant is present in population databases (no rsID available, gnomAD 0.0009%). This variant has not been reported in the literature in individuals affected with ZNF408-related conditions. ClinVar contains an entry for this variant (Variation ID: 1413048). An algorithm developed to predict the effect of missense changes on protein structure and function (PolyPhen-2) suggests that this variant is likely to be tolerated. In summary, the available evidence is currently insufficient to determine the role of this variant in disease. Therefore, it has been classified as a Variant of Uncertain Significance.

NM_024741.3(ZNF408):c.556G>T (p.Asp186Tyr)

Gene: ZNF408 (zinc finger protein 408; plus strand). Cytogenetic location: 11p11.2.
Variant type: single nucleotide variant.
Coding change: c.556G>T on transcript NM_024741.3 (MANE Select); coding-DNA position 556, G replaced by T.
Protein change: p.Asp186Tyr; replaces aspartic acid 186 with tyrosine.
Molecular consequence: missense variant.
Genome position (GRCh38, 1-based): chr11:46,703,147, G>T. VCF-style: chr11-46703147-G-T. GRCh37 (hg19) VCF-style: chr11-46724697-G-T.
Other names: c.532G>T, p.Asp178Tyr (NM_001184751.2); short protein forms D178Y, D186Y.
Identifiers: ClinVar variation 1413048 (VCV001413048.6), dbSNP rs1184386705, ClinGen allele CA380252492.